The following is an entry in ClinVar:

ClinVar aggregate classification (germline): Uncertain significance. Review status: criteria provided, multiple submitters, no conflicts (2 of 4 stars). 2 submissions from 2 submitters: Uncertain significance (2). Last evaluated 2023-03-28.

Conditions:
Primary ciliary dyskinesia. Also called: Ciliary dyskinesia. Identifiers: Orphanet 244, MedGen C0008780, MONDO:0016575, HP:0012265.

Allele frequency attached by ClinVar (database versions not stated): ExAC 0.00001; gnomAD exomes 0.00001; gnomAD 0.00002; TOPMed 0.00002.
gnomAD v4.1: 13 of 1,613,712 alleles (0.00081%); highest among the groups gnomAD compares: Non-Finnish European, 0.0011%; no homozygotes.

Submissions (2):

Ambry Genetics
Classification: Uncertain significance. Last evaluated: 2023-03-28. Review status: criteria provided, single submitter. Criteria: Ambry Variant Classification Scheme 2023. Collection method: clinical testing. Allele origin: germline.

Labcorp Genetics (formerly Invitae), Labcorp
Classification: Uncertain significance for Primary ciliary dyskinesia. Last evaluated: 2021-08-28. Review status: criteria provided, single submitter. Criteria: Invitae Variant Classification Sherloc (09022015). Collection method: clinical testing. Allele origin: germline.
Comment: This sequence change replaces leucine with proline at codon 4514 of the DNAH8 protein (p.Leu4514Pro). The leucine residue is moderately conserved and there is a moderate physicochemical difference between leucine and proline. This variant is present in population databases (rs745689526, ExAC 0.001%). This variant has not been reported in the literature in individuals affected with DNAH8-related conditions. Algorithms developed to predict the effect of missense changes on protein structure and function are either unavailable or do not agree on the potential impact of this missense change (SIFT: "Deleterious"; PolyPhen-2: "Not Available"; Align-GVGD: "Class C0"). In summary, the available evidence is currently insufficient to determine the role of this variant in disease. Therefore, it has been classified as a Variant of Uncertain Significance.

NM_001206927.2(DNAH8):c.13541T>C (p.Leu4514Pro)

Gene: DNAH8 (dynein axonemal heavy chain 8; plus strand). Cytogenetic location: 6p21.2.
Variant type: single nucleotide variant.
Coding change: c.13541T>C on transcript NM_001206927.2 (MANE Select); coding-DNA position 13541, T replaced by C.
Protein change: p.Leu4514Pro; replaces leucine 4514 with proline.
Molecular consequence: missense variant.
Genome position (GRCh38, 1-based): chr6:39,012,464, T>C. VCF-style: chr6-39012464-T-C. GRCh37 (hg19) VCF-style: chr6-38980240-T-C.
Other names: c.12890T>C, p.Leu4297Pro (NM_001371.4); short protein forms L4514P, L4297P.
Identifiers: ClinVar variation 850894 (VCV000850894.9), dbSNP rs745689526, ClinGen allele CA3791703.